The following is an entry in ClinVar:

NM_001382.4(DPAGT1):c.698dup (p.Thr234fs)

Gene: DPAGT1 (dolichyl-phosphate N-acetylglucosaminephosphotransferase 1; minus strand). Cytogenetic location: 11q23.3.
Variant type: Duplication.
Coding change: c.698dup on transcript NM_001382.4 (MANE Select); coding-DNA position 698, one base duplicated (T; older notation c.698dupT).
Protein change: p.Thr234fs; shifts the reading frame from threonine 234.
Molecular consequence: frameshift variant.
Genome position (GRCh38, 1-based): chr11:119,098,433, A duplicated on the plus strand (T on the coding strand, the reverse complement: DPAGT1 is on the minus strand); the first of 8 consecutive A bases (chr11:119,098,433-119,098,440); duplicating any one gives the same sequence. VCF-style (leftmost placement, unchanged base first): chr11-119098432-G-GA. GRCh37 (hg19) VCF-style: chr11-118969142-G-GA.
Other names: c.698dupT (NM_001382.4); short protein forms T234fs.
Identifiers: ClinVar variation 4845787 (VCV004845787.1).

ClinVar aggregate classification (germline): Likely pathogenic (1 of 4 stars; one submission).

Conditions:
DPAGT1-congenital disorder of glycosylation. Also called: CONGENITAL DISORDER OF GLYCOSYLATION, TYPE Ij; DPAGT1-CDG; CDG Ij. Identifiers: Orphanet 86309, MedGen C2931004, MONDO:0011964, OMIM 608093.
Congenital myasthenic syndrome 13 (CMS13). Also called: Myasthenic syndrome, congenital, 13, with tubular aggregates; Myasthenic syndrome, congenital, with tubular aggregates 2. Identifiers: Orphanet 353327, Orphanet 590, MedGen C3553645, MONDO:0013883, OMIM 614750.

Submission:

First Genomix Gene Laboratory, Genetic Diagnostics Department
Classification: Likely pathogenic for DPAGT1-congenital disorder of glycosylation; Congenital myasthenic syndrome 13. Last evaluated: 2025-03-21. Review status: criteria provided, single submitter. Criteria: ACMG Guidelines, 2015. Collection method: clinical testing. Allele origin: germline. Inheritance: Autosomal recessive inheritance. Affected: no. Observed: 1 variant allele.